The following is an entry in ClinVar:

ClinVar aggregate classification (germline): Uncertain significance. Review status: criteria provided, multiple submitters, no conflicts (2 of 4 stars). 4 submissions from 4 submitters: Uncertain significance (4). Last evaluated 2024-03-04.

Conditions:
Inborn genetic diseases. Identifiers: MedGen C0950123, MeSH D030342.
MYSM1-related disorder. Also called: MYSM1-related condition.

Allele frequency attached by ClinVar (database versions not stated): ExAC 0.00001; gnomAD exomes 0.00001; gnomAD 0.00005; TOPMed 0.00005.
gnomAD v4.1: 38 of 1,610,674 alleles (0.0024%); highest among the groups gnomAD compares: Middle Eastern, 0.033%; 1 homozygote.

Submissions (4):

Women's Health and Genetics/Laboratory Corporation of America, LabCorp
Classification: Uncertain significance. Last evaluated: 2024-03-04. Review status: criteria provided, single submitter. Criteria: LabCorp Variant Classification Summary - May 2015. Collection method: clinical testing. Allele origin: germline.
Comment: Variant summary: MYSM1 c.2423A>G (p.Asn808Ser) results in a conservative amino acid change in the encoded protein sequence. Five of five in-silico tools predict a benign effect of the variant on protein function. The variant allele was found at a frequency of 1.6e-05 in 247382 control chromosomes. The available data on variant occurrences in the general population are insufficient to allow any conclusion about variant significance. To our knowledge, no occurrence of c.2423A>G in individuals affected with Bone Marrow Failure Syndrome 4 and no experimental evidence demonstrating its impact on protein function have been reported. ClinVar contains an entry for this variant (Variation ID: 2182289). Based on the evidence outlined above, the variant was classified as uncertain significance.

PreventionGenetics, part of Exact Sciences
Classification: Uncertain significance for MYSM1-related condition. Last evaluated: 2023-04-17. Review status: criteria provided, single submitter. Criteria: ACMG Guidelines, 2015. Collection method: clinical testing. Allele origin: germline.
Comment: The MYSM1 c.2423A>G variant is predicted to result in the amino acid substitution p.Asn808Ser. To our knowledge, this variant has not been reported in the literature. This variant is reported in 0.0065% of alleles in individuals of African descent in gnomAD. At this time, the clinical significance of this variant is uncertain due to the absence of conclusive functional and genetic evidence.

Ambry Genetics
Classification: Uncertain significance for Inborn genetic diseases. Last evaluated: 2023-04-04. Review status: criteria provided, single submitter. Criteria: Ambry Variant Classification Scheme 2023. Collection method: clinical testing. Allele origin: germline.

Labcorp Genetics (formerly Invitae), Labcorp
Classification: Uncertain significance. Last evaluated: 2022-10-05. Review status: criteria provided, single submitter. Criteria: Invitae Variant Classification Sherloc (09022015). Collection method: clinical testing. Allele origin: germline.
Comment: This sequence change replaces asparagine, which is neutral and polar, with serine, which is neutral and polar, at codon 808 of the MYSM1 protein (p.Asn808Ser). This variant is present in population databases (rs776144063, gnomAD 0.007%). This variant has not been reported in the literature in individuals affected with MYSM1-related conditions. Advanced modeling of protein sequence and biophysical properties (such as structural, functional, and spatial information, amino acid conservation, physicochemical variation, residue mobility, and thermodynamic stability) performed at Invitae indicates that this missense variant is not expected to disrupt MYSM1 protein function. Algorithms developed to predict the effect of sequence changes on RNA splicing suggest that this variant may create or strengthen a splice site. In summary, the available evidence is currently insufficient to determine the role of this variant in disease. Therefore, it has been classified as a Variant of Uncertain Significance.

NM_001085487.3(MYSM1):c.2423A>G (p.Asn808Ser)

Gene: MYSM1 (Myb like, SWIRM and MPN domains 1; minus strand). Cytogenetic location: 1p32.1.
Variant type: single nucleotide variant.
Coding change: c.2423A>G on transcript NM_001085487.3 (MANE Select); coding-DNA position 2423, A replaced by G.
Protein change: p.Asn808Ser; replaces asparagine 808 with serine.
Molecular consequence: missense variant.
Genome position (GRCh38, 1-based): chr1:58,660,061, T>C on the plus strand (A>G on the coding strand, the complement: MYSM1 is on the minus strand). VCF-style: chr1-58660061-T-C. GRCh37 (hg19) VCF-style: chr1-59125733-T-C.
Other names: c.2423A>G (NM_001085487.2); short protein forms N808S.
Identifiers: ClinVar variation 2182289 (VCV002182289.6), dbSNP rs776144063, ClinGen allele CA877527.